The following is an entry in ClinVar:

ClinVar aggregate classification (germline): Likely benign (1 of 4 stars; one submission).

Allele frequency attached by ClinVar (database versions not stated): ExAC 0.00004; gnomAD 0.00011; TOPMed 0.00011; ESP Exome Variant Server 0.00015.

Submission:

CeGaT Center for Human Genetics Tuebingen
Classification: Likely benign. Last evaluated: 2024-01-01. Review status: criteria provided, single submitter. Criteria: CeGaT Center For Human Genetics Tuebingen Variant Classification Criteria Version 2. Collection method: clinical testing. Allele origin: germline. Affected: yes. Observed: 2 variant alleles.
Comment: WDR81: BP4, BP7

NM_001163809.2(WDR81):c.3210C>T (p.Gly1070=)

Gene: WDR81 (WD repeat domain 81; plus strand). Cytogenetic location: 17p13.3.
Variant type: single nucleotide variant.
Coding change: c.3210C>T on transcript NM_001163809.2 (MANE Select); coding-DNA position 3210, C replaced by T.
Protein change: p.Gly1070=; no amino-acid change (glycine 1070 retained).
Molecular consequence: synonymous variant. On other transcripts: intron variant (2).
Genome position (GRCh38, 1-based): chr17:1,728,169, C>T. VCF-style: chr17-1728169-C-T. GRCh37 (hg19) VCF-style: chr17-1631463-C-T.
Other names: c.57C>T, p.Gly19= (NM_152348.4); c.59-2211C>T (NM_001163673.2); c.-14-2211C>T (NM_001163811.2).
Identifiers: ClinVar variation 3026591 (VCV003026591.22), dbSNP rs141345874, ClinGen allele CA8273203.